The following is an entry in ClinVar:

NM_000135.4(FANCA):c.2309G>C (p.Arg770Pro)

Gene: FANCA (FA complementation group A; minus strand). Cytogenetic location: 16q24.3.
Variant type: single nucleotide variant.
Coding change: c.2309G>C on transcript NM_000135.4 (MANE Select); coding-DNA position 2309, G replaced by C.
Protein change: p.Arg770Pro; replaces arginine 770 with proline.
Molecular consequence: missense variant.
Genome position (GRCh38, 1-based): chr16:89,770,173, C>G on the plus strand (G>C on the coding strand, the complement: FANCA is on the minus strand). VCF-style: chr16-89770173-C-G. GRCh37 (hg19) VCF-style: chr16-89836581-C-G.
Other names: c.2309G>C, p.Arg770Pro (NM_001286167.3); short protein forms R770P.
Identifiers: ClinVar variation 3848253 (VCV003848253.1).
Genomic context (GRCh38, chr16:89,770,173, plus strand): 5'-CCTGGCCCTCAGAGTGGGCCCCCAAGGGTGGCCCCCATGAAGGAGAGCCTCACCTGGTGA[C>G]GGAGCAGCTGGCAGAGCCGGGTGAGCACTGCAGGGAGCACACGTCCACACATGGTCCTCA-3'
Protein context (NP_000126.2, residues 760-780): AVLTRLCQLL[Arg770Pro]HQGPSLSAPH

ClinVar aggregate classification (germline): Uncertain significance (1 of 4 stars; one submission).

Conditions:
Inborn genetic diseases. Identifiers: MedGen C0950123, MeSH D030342.

Submission:

Ambry Genetics
Classification: Uncertain significance for Inborn genetic diseases. Last evaluated: 2025-02-20. Review status: criteria provided, single submitter. Criteria: Ambry Variant Classification Scheme 2023. Collection method: clinical testing. Allele origin: germline.
Comment: The p.R770P variant (also known as c.2309G>C), located in coding exon 25 of the FANCA gene, results from a G to C substitution at nucleotide position 2309. The arginine at codon 770 is replaced by proline, an amino acid with dissimilar properties. This amino acid position is conserved. In addition, the in silico prediction for this alteration is inconclusive. Based on the available evidence, the clinical significance of this variant remains unclear.